The following is an entry in ClinVar:

ClinVar aggregate classification (germline): Uncertain significance (0 of 4 stars; one submission).

Conditions:
GNAS-related disorder. Identifiers: MedGen CN380105.

gnomAD v4.1: 67 of 1,561,860 alleles (0.0043%); highest among the groups gnomAD compares: Non-Finnish European, 0.0055%; 1 homozygote.

Submission:

PreventionGenetics, part of Exact Sciences
Classification: Uncertain significance for GNAS-related condition. Last evaluated: 2024-08-19. Review status: no assertion criteria provided. Collection method: clinical testing. Allele origin: germline.
Comment: The GNAS c.1511C>T variant is predicted to result in the amino acid substitution p.Ala504Val. This variant is also designated c.-36951C>T (pre-coding) on the primary transcript NM_000516.5. To our knowledge, this variant has not been reported in the literature. This variant is reported in 0.012% of individuals of African/African American descent in gnomAD. At this time, the clinical significance of this variant is uncertain due to the absence of conclusive functional and genetic evidence.

NM_080425.4(GNAS):c.1511C>T (p.Ala504Val)

Gene: GNAS (GNAS complex locus; plus strand). Cytogenetic location: 20q13.32.
Variant type: single nucleotide variant.
Coding change: c.1511C>T on transcript NM_080425.4 (MANE Plus Clinical); coding-DNA position 1511, C replaced by T.
Protein change: p.Ala504Val; replaces alanine 504 with valine.
Molecular consequence: missense variant. On other transcripts: intron variant (3).
Genome position (GRCh38, 1-based): chr20:58,854,776, C>T. VCF-style: chr20-58854776-C-T. GRCh37 (hg19) VCF-style: chr20-57429831-C-T.
Other names: c.1324C>T, p.Pro442Ser (NM_001077490.3, NM_001309883.1); c.1511C>T, p.Ala504Val (NM_001410913.1); c.*42+13890C>T (NM_016592.5); c.43+13890C>T (NM_001410912.1); c.-39+12901C>T (NM_001309861.2); short protein forms A504V, P442S.
Identifiers: ClinVar variation 3358794 (VCV003358794.1).